The following is an entry in ClinVar:

NM_014285.7(EXOSC2):c.269A>G (p.Glu90Gly)

Gene: EXOSC2 (exosome component 2; plus strand). Cytogenetic location: 9q34.12.
Variant type: single nucleotide variant.
Coding change: c.269A>G on transcript NM_014285.7 (MANE Select); coding-DNA position 269, A replaced by G.
Protein change: p.Glu90Gly; replaces glutamic acid 90 with glycine.
Molecular consequence: missense variant. On other transcripts: non-coding transcript variant (1).
Genome position (GRCh38, 1-based): chr9:130,697,626, A>G. VCF-style: chr9-130697626-A-G. GRCh37 (hg19) VCF-style: chr9-133573013-A-G.
Other names: c.269A>G, p.Glu90Gly (NM_001282708.1, NM_001282709.1); short protein forms E90G.
Identifiers: ClinVar variation 1038265 (VCV001038265.7), dbSNP rs1253259412, ClinGen allele CA375246873.

ClinVar aggregate classification (germline): Uncertain significance (1 of 4 stars; one submission).

Allele frequency attached by ClinVar (database versions not stated): gnomAD exomes below 0.00001; gnomAD 0.00001; TOPMed 0.00001.

Submission:

Labcorp Genetics (formerly Invitae), Labcorp
Classification: Uncertain significance. Last evaluated: 2020-07-27. Review status: criteria provided, single submitter. Criteria: Invitae Variant Classification Sherloc (09022015). Collection method: clinical testing. Allele origin: germline.
Comment: In summary, the available evidence is currently insufficient to determine the role of this variant in disease. Therefore, it has been classified as a Variant of Uncertain Significance. Algorithms developed to predict the effect of sequence changes on RNA splicing suggest that this variant may disrupt the consensus splice site, but this prediction has not been confirmed by published transcriptional studies. Algorithms developed to predict the effect of missense changes on protein structure and function are either unavailable or do not agree on the potential impact of this missense change (SIFT: "Deleterious"; PolyPhen-2: "Benign"; Align-GVGD: "Class C0"). This variant has not been reported in the literature in individuals with EXOSC2-related conditions. This variant is not present in population databases (ExAC no frequency). This sequence change replaces glutamic acid with glycine at codon 90 of the EXOSC2 protein (p.Glu90Gly). The glutamic acid residue is highly conserved and there is a moderate physicochemical difference between glutamic acid and glycine.